The following is an entry in ClinVar:

ClinVar aggregate classification (germline): Uncertain significance. Review status: criteria provided, multiple submitters, no conflicts (2 of 4 stars). 3 submissions from 2 submitters: Uncertain significance (3). Last evaluated 2021-04-07.

Conditions:
Mitochondrial complex I deficiency, nuclear type 1. Also called: NADH-COENZYME Q REDUCTASE DEFICIENCY; MITOCHONDRIAL NADH DEHYDROGENASE COMPONENT OF COMPLEX I, DEFICIENCY OF. Identifiers: MedGen C6022305, MONDO:0100224, OMIM 252010.
Leigh syndrome (NULS). Also called: Leigh Disease; Subacute necrotizing encephalopathy; Leigh Syndrome (mtDNA deletion); Leigh's syndrome; Leigh's necrotizing encephalopathy; Leigh's disease. Identifiers: Orphanet 506, MedGen C2931891, MONDO:0009723, OMIM 256000.

Allele frequency attached by ClinVar (database versions not stated): ExAC 0.00001; gnomAD 0.00001; TOPMed 0.00002.
gnomAD v4.1: 13 of 1,608,098 alleles (0.00081%); highest among the groups gnomAD compares: Middle Eastern, 0.016%; no homozygotes.

Submissions (3):

GeneDx
Classification: Uncertain significance. Last evaluated: 2021-04-07. Review status: criteria provided, single submitter. Criteria: GeneDx Variant Classification Process June 2021. Collection method: clinical testing. Allele origin: germline. Affected: yes.
Comment: Identified heterozygous in an individual with long QT syndrome and dilated cardiomyopathy (Allen et al., 2016); This variant is associated with the following publications: (PMID: 28491650)

Illumina Laboratory Services, Illumina
Classification: Uncertain significance for Leigh syndrome. Last evaluated: 2018-01-13. Review status: criteria provided, single submitter. Criteria: ICSL Variant Classification Criteria 13 December 2019. Collection method: clinical testing. Allele origin: germline.

Illumina Laboratory Services, Illumina
Classification: Uncertain significance for Mitochondrial complex I deficiency, nuclear type 1. Last evaluated: 2018-01-13. Review status: criteria provided, single submitter. Criteria: ICSL Variant Classification Criteria 13 December 2019. Collection method: clinical testing. Allele origin: germline.

NM_004544.4(NDUFA10):c.1010G>A (p.Arg337His)

Gene: NDUFA10 (NADH:ubiquinone oxidoreductase subunit A10; minus strand). Cytogenetic location: 2q37.3.
Variant type: single nucleotide variant.
Coding change: c.1010G>A on transcript NM_004544.4 (MANE Select); coding-DNA position 1010, G replaced by A.
Protein change: p.Arg337His; replaces arginine 337 with histidine.
Molecular consequence: missense variant. On other transcripts: non-coding transcript variant (3).
Genome position (GRCh38, 1-based): chr2:239,961,176, C>T on the plus strand (G>A on the coding strand, the complement: NDUFA10 is on the minus strand). VCF-style: chr2-239961176-C-T. GRCh37 (hg19) VCF-style: chr2-240900593-C-T.
Other names: c.901G>A, p.Ala301Thr (NM_001322020.2); short protein forms R337H, A301T.
Identifiers: ClinVar variation 897590 (VCV000897590.6), dbSNP rs201449418, ClinGen allele CA2200627.